The following is an entry in ClinVar:

NM_001122630.2(CDKN1C):c.880G>A (p.Gly294Ser)

Gene: CDKN1C (cyclin dependent kinase inhibitor 1C; minus strand). Cytogenetic location: 11p15.4.
Variant type: single nucleotide variant.
Coding change: c.880G>A on transcript NM_001122630.2 (MANE Select); coding-DNA position 880, G replaced by A.
Protein change: p.Gly294Ser; replaces glycine 294 with serine.
Molecular consequence: missense variant. On other transcripts: nonsense (1).
Genome position (GRCh38, 1-based): chr11:2,884,042, C>T on the plus strand (G>A on the coding strand, the complement: CDKN1C is on the minus strand). VCF-style: chr11-2884042-C-T. GRCh37 (hg19) VCF-style: chr11-2905272-C-T.
Other names: c.913G>A, p.Gly305Ser (NM_000076.2, NM_001362474.2); c.880G>A, p.Gly294Ser (NM_001122631.2); c.348G>A, p.Trp116Ter (NM_001362475.2); short protein forms W116*, G294S, G305S.
Identifiers: ClinVar variation 2122372 (VCV002122372.4), dbSNP rs2494379573, ClinGen allele CA379144766.

ClinVar aggregate classification (germline): Uncertain significance (1 of 4 stars; one submission).

Conditions:
Beckwith-Wiedemann syndrome (BWS). Also called: Exomphalos macroglossia gigantism syndrome; EMG SYNDROME. Identifiers: Orphanet 116, MedGen C0004903, MONDO:0007534, OMIM 130650.

Submission:

Labcorp Genetics (formerly Invitae), Labcorp
Classification: Uncertain significance for Beckwith-Wiedemann syndrome. Last evaluated: 2022-04-07. Review status: criteria provided, single submitter. Criteria: Invitae Variant Classification Sherloc (09022015). Collection method: clinical testing. Allele origin: germline.
Comment: In summary, the available evidence is currently insufficient to determine the role of this variant in disease. Therefore, it has been classified as a Variant of Uncertain Significance. Algorithms developed to predict the effect of missense changes on protein structure and function are either unavailable or do not agree on the potential impact of this missense change (SIFT: "Tolerated"; PolyPhen-2: "Not Available"; Align-GVGD: "Class C0"). This variant has not been reported in the literature in individuals affected with CDKN1C-related conditions. This variant is not present in population databases (gnomAD no frequency). This sequence change replaces glycine, which is neutral and non-polar, with serine, which is neutral and polar, at codon 305 of the CDKN1C protein (p.Gly305Ser).